The following is an entry in ClinVar:

NM_016292.3(TRAP1):c.936G>C (p.Glu312Asp)

Gene: TRAP1 (TNF receptor associated protein 1; minus strand). Cytogenetic location: 16p13.3.
Variant type: single nucleotide variant.
Coding change: c.936G>C on transcript NM_016292.3 (MANE Select); coding-DNA position 936, G replaced by C.
Protein change: p.Glu312Asp; replaces glutamic acid 312 with aspartic acid.
Molecular consequence: missense variant.
Genome position (GRCh38, 1-based): chr16:3,674,447, C>G on the plus strand (G>C on the coding strand, the complement: TRAP1 is on the minus strand). VCF-style: chr16-3674447-C-G. GRCh37 (hg19) VCF-style: chr16-3724448-C-G.
Other names: c.777G>C, p.Glu259Asp (NM_001272049.2); short protein forms E259D, E312D.
Identifiers: ClinVar variation 1905081 (VCV001905081.5), dbSNP rs759715960, ClinGen allele CA276999440.
Genomic context (GRCh38, chr16:3,674,447, plus strand): 5'-CTTATAGTGCAGGGTGTAGCGGGGCTTGTCGTGAGCCTGCGCGACGTAGCGGTAGAACTC[C>G]TCATGTTGCCACTCACGGACATCCTTGGGGTCCATCATCCAGATGGCCTGGAAACGGAGA-3'
Protein context (NP_057376.2, residues 302-322): DPKDVREWQH[Glu312Asp]EFYRYVAQAH

ClinVar aggregate classification (germline): Uncertain significance (1 of 4 stars; one submission).

Allele frequency attached by ClinVar (database versions not stated): gnomAD exomes 0.00004.

Submission:

Labcorp Genetics (formerly Invitae), Labcorp
Classification: Uncertain significance. Last evaluated: 2025-02-24. Review status: criteria provided, single submitter. Criteria: Invitae Variant Classification Sherloc (09022015). Collection method: clinical testing. Allele origin: germline.
Comment: This sequence change replaces glutamic acid, which is acidic and polar, with aspartic acid, which is acidic and polar, at codon 312 of the TRAP1 protein (p.Glu312Asp). This variant is not present in population databases (gnomAD no frequency). This variant has not been reported in the literature in individuals affected with TRAP1-related conditions. ClinVar contains an entry for this variant (Variation ID: 1905081). Invitae Evidence Modeling of protein sequence and biophysical properties (such as structural, functional, and spatial information, amino acid conservation, physicochemical variation, residue mobility, and thermodynamic stability) indicates that this missense variant is not expected to disrupt TRAP1 protein function with a negative predictive value of 80%. In summary, the available evidence is currently insufficient to determine the role of this variant in disease. Therefore, it has been classified as a Variant of Uncertain Significance.